The following is an entry in ClinVar:

NM_004621.6(TRPC6):c.335C>A (p.Pro112Gln)

Gene: TRPC6 (transient receptor potential cation channel subfamily C member 6; minus strand). Cytogenetic location: 11q22.1.
Variant type: single nucleotide variant.
Coding change: c.335C>A on transcript NM_004621.6 (MANE Select); coding-DNA position 335, C replaced by A.
Protein change: p.Pro112Gln; replaces proline 112 with glutamine.
Molecular consequence: missense variant.
Genome position (GRCh38, 1-based): chr11:101,504,634, G>T on the plus strand (C>A on the coding strand, the complement: TRPC6 is on the minus strand). VCF-style: chr11-101504634-G-T. GRCh37 (hg19) VCF-style: chr11-101375365-G-T.
Other names: c.335C>A (NM_004621.5); short protein forms P112Q.
Identifiers: ClinVar variation 6151 (VCV000006151.3), dbSNP rs121434390, ClinGen allele CA117977.

ClinVar aggregate classification (germline): Pathogenic. Review status: criteria provided, multiple submitters, no conflicts (2 of 4 stars). 3 submissions from 3 submitters: Pathogenic (2). 1 of the submissions does not count toward it. Last evaluated 2024-05-13.

Conditions:
TRPC6-related disorder. Also called: TRPC6-related condition.
Focal segmental glomerulosclerosis 2 (FSGS2). Identifiers: Orphanet 656, MedGen C1858915, MONDO:0011390, OMIM 603965.

Submissions (3):

Blueprint Genetics
Classification: Pathogenic for TRPC6-related disorders. Last evaluated: 2024-05-13. Review status: criteria provided, single submitter. Criteria: ACMG Guidelines, 2015. Collection method: clinical testing. Allele origin: germline. Affected: yes. Observed: 3 variant alleles.

Victorian Clinical Genetics Services, Murdoch Childrens Research Institute
Classification: Pathogenic for Focal segmental glomerulosclerosis 2. Last evaluated: 2023-07-17. Review status: criteria provided, single submitter. Criteria: ACMG Guidelines, 2015. Collection method: clinical testing. Allele origin: germline. Inheritance: Autosomal dominant inheritance. Affected: yes.
Comment: Based on the classification scheme VCGS_Germline_v1.3.4, this variant is classified as Pathogenic. Following criteria are met: 0101 - Gain of function is a known mechanism of disease in this gene and is associated with glomerulosclerosis, focal segmental, 2 (MIM#603965). Missense variants have been functionally proven to result in increased calcium channel activity (PMID: 15879175, PMID: 32509715). (I) 0107 - This gene is associated with autosomal dominant disease. (I) 0200 - Variant is predicted to result in a missense amino acid change from proline to glutamine. (I) 0251 - This variant is heterozygous. (I) 0301 - Variant is absent from gnomAD (both v2 and v3). (SP) 0502 - Missense variant with conflicting in silico predictions and uninformative conservation. (I) 0600 - Variant is located in the annotated ankyrin repeat domain (DECIPHER). (I) 0703 - Other missense variants comparable to the one identified in this case have moderate previous evidence for pathogenicity. One alternative change (p.(Pro112Arg)) was observed as de novo in an individual with sub-nephrotic range proteinuria (PMID: 32509715), and another alternative change (p.(Pro112Leu)) has been reported in an individual with focal segmental glomerulosclerosis (FSGS) and proteinuria, who also had a non-pathogenic variant in the COL4A5 gene (PMID: 31576025). (SP) 0803 - This variant has limited previous evidence of pathogenicity in an unrelated individual. This variant has been reported in a single family with FSGS (PMID: 15879175). (SP) 0901 - This variant has strong evidence for segregation with disease. This variant segregated in 20 affected individuals within a single family with FSGS (PMID: 15879175). (SP) 1002 - This variant has moderate functional evidence supporting abnormal protein function. Transfected cells showed increased intracellular calcium, increased angiotensin signalling and protein mislocalization (PMID: 15879175). (SP) 1208 - Inheritance information for this variant is not currently available in this individual. (I) Legend: (SP) - Supporting pathogenic, (I) - Information, (SB) - Supporting benign

OMIM
Classification: Pathogenic for FOCAL SEGMENTAL GLOMERULOSCLEROSIS 2. Last evaluated: 2005-06-17. Review status: no assertion criteria provided. Collection method: literature only. Allele origin: germline. Not counted in ClinVar's aggregate classification.

Literature cited by the submitters: PubMed 15879175 (cited by Victorian Clinical Genetics Services, Murdoch Childrens Research Institute and OMIM); PubMed 31576025 (cited by Victorian Clinical Genetics Services, Murdoch Childrens Research Institute); PubMed 32509715 (cited by Victorian Clinical Genetics Services, Murdoch Childrens Research Institute); PubMed 10200986 (cited by OMIM).